The following is an entry in ClinVar:

ClinVar aggregate classification (germline): Uncertain significance. Review status: criteria provided, multiple submitters, no conflicts (2 of 4 stars). 2 submissions from 2 submitters: Uncertain significance (2). Last evaluated 2025-02-19.

Conditions:
Inborn genetic diseases. Identifiers: MedGen C0950123, MeSH D030342.

Allele frequency attached by ClinVar (database versions not stated): gnomAD 0.00001 and 0.00002; gnomAD exomes 0.00001; ExAC 0.00002; TOPMed 0.00002.
gnomAD v4.1: 24 of 1,495,922 alleles (0.0016%); highest among the groups gnomAD compares: Admixed American, 0.0049%; no homozygotes.

Submissions (2):

Ambry Genetics
Classification: Uncertain significance for Inborn genetic diseases. Last evaluated: 2025-02-19. Review status: criteria provided, single submitter. Criteria: Ambry Variant Classification Scheme 2023. Collection method: clinical testing. Allele origin: germline.

Labcorp Genetics (formerly Invitae), Labcorp
Classification: Uncertain significance. Last evaluated: 2021-09-21. Review status: criteria provided, single submitter. Criteria: Invitae Variant Classification Sherloc (09022015). Collection method: clinical testing. Allele origin: germline.
Comment: This sequence change replaces aspartic acid with asparagine at codon 1659 of the CENPF protein (p.Asp1659Asn). The aspartic acid residue is highly conserved and there is a small physicochemical difference between aspartic acid and asparagine. This variant is present in population databases (rs779677155, ExAC 0.009%). This variant has not been reported in the literature in individuals affected with CENPF-related conditions. Algorithms developed to predict the effect of missense changes on protein structure and function are either unavailable or do not agree on the potential impact of this missense change (SIFT: "Deleterious"; PolyPhen-2: "Probably Damaging"; Align-GVGD: "Class C15"). In summary, the available evidence is currently insufficient to determine the role of this variant in disease. Therefore, it has been classified as a Variant of Uncertain Significance.

NM_016343.4(CENPF):c.4975G>A (p.Asp1659Asn)

Gene: CENPF (centromere protein F; plus strand). Cytogenetic location: 1q41.
Variant type: single nucleotide variant.
Coding change: c.4975G>A on transcript NM_016343.4 (MANE Select); coding-DNA position 4975, G replaced by A.
Protein change: p.Asp1659Asn; replaces aspartic acid 1659 with asparagine.
Molecular consequence: missense variant.
Genome position (GRCh38, 1-based): chr1:214,643,313, G>A. VCF-style: chr1-214643313-G-A. GRCh37 (hg19) VCF-style: chr1-214816656-G-A.
Other names: c.4975G>A (NM_016343.3); short protein forms D1659N.
Identifiers: ClinVar variation 1489462 (VCV001489462.7), dbSNP rs779677155, ClinGen allele CA1390695.